The following is an entry in ClinVar:

ClinVar aggregate classification (germline): Uncertain significance (1 of 4 stars; one submission).

Conditions:
Cardiovascular phenotype. Identifiers: MedGen CN230736.

gnomAD v4.1: 5 of 1,613,238 alleles (0.00031%); highest among the groups gnomAD compares: Non-Finnish European, 0.00042%; no homozygotes.

Submission:

Ambry Genetics
Classification: Uncertain significance for Cardiovascular phenotype. Last evaluated: 2023-05-18. Review status: criteria provided, single submitter. Criteria: Ambry Variant Classification Scheme 2023. Collection method: clinical testing. Allele origin: germline.
Comment: The p.P1412R variant (also known as c.4235C>G), located in coding exon 34 of the ANK2 gene, results from a C to G substitution at nucleotide position 4235. The proline at codon 1412 is replaced by arginine, an amino acid with dissimilar properties. This amino acid position is well conserved in available vertebrate species. In addition, this alteration is predicted to be deleterious by in silico analysis. Since supporting evidence is limited at this time, the clinical significance of this alteration remains unclear.

NM_001148.6(ANK2):c.4235C>G (p.Pro1412Arg)

Gene: ANK2 (ankyrin 2; plus strand). Cytogenetic location: 4q26.
Variant type: single nucleotide variant.
Coding change: c.4235C>G on transcript NM_001148.6 (MANE Select); coding-DNA position 4235, C replaced by G.
Protein change: p.Pro1412Arg; replaces proline 1412 with arginine.
Molecular consequence: missense variant.
Genome position (GRCh38, 1-based): chr4:113,343,129, C>G. VCF-style: chr4-113343129-C-G. GRCh37 (hg19) VCF-style: chr4-114264285-C-G.
Other names: c.4208C>G, p.Pro1403Arg (NM_001127493.3); c.4247C>G, p.Pro1416Arg (NM_001354225.2); c.4136C>G, p.Pro1379Arg (NM_001354228.2, NM_001354258.2); c.4214C>G, p.Pro1405Arg (NM_001354230.2); c.4277C>G, p.Pro1426Arg (NM_001354231.2, NM_001354242.2); c.4271C>G, p.Pro1424Arg (NM_001354232.2); c.4232C>G, p.Pro1411Arg (NM_001354235.2, NM_001354246.2, NM_001354265.2); c.4133C>G, p.Pro1378Arg (NM_001354236.2); and 31 more; short protein forms P1312R, P1345R, P1346R, P1357R, P1369R, P1378R, P1402R, P1403R.
Identifiers: ClinVar variation 2562078 (VCV002562078.2), dbSNP rs2153983683, ClinGen allele CA357911617.
Genomic context (GRCh38, chr4:113,343,129, plus strand): 5'-TAACTAAAAGTGGCCAGCATCATATATTCAGTTTTTTTGCCTTCAAAGAAAATAGACTTC[C>G]TCTATTTGTCAAGGTAATATATACATGGAATTTTGTGATGCATTTTTTTCAAGATCAAGG-3'
Protein context (NP_001139.3, residues 1402-1422): SFFAFKENRL[Pro1412Arg]LFVKVRDTTQ